The following is an entry in ClinVar:

NM_000130.5(F5):c.286G>C (p.Asp96His)

Gene: F5 (coagulation factor V; minus strand). Cytogenetic location: 1q24.2.
Variant type: single nucleotide variant.
Coding change: c.286G>C on transcript NM_000130.5 (MANE Select); coding-DNA position 286, G replaced by C.
Protein change: p.Asp96His; replaces aspartic acid 96 with histidine.
Molecular consequence: missense variant.
Genome position (GRCh38, 1-based): chr1:169,572,308, C>G on the plus strand (G>C on the coding strand, the complement: F5 is on the minus strand). VCF-style: chr1-169572308-C-G. GRCh37 (hg19) VCF-style: chr1-169541546-C-G.
Other names: short protein forms D96H.
Identifiers: ClinVar variation 2734026 (VCV002734026.6), dbSNP rs747215273, ClinGen allele CA1234662.

ClinVar aggregate classification (germline): Pathogenic. Review status: criteria provided, multiple submitters, no conflicts (2 of 4 stars). 2 submissions from 2 submitters: Pathogenic (2). Last evaluated 2025-12-08.

Conditions:
Congenital factor V deficiency. Also called: Hereditary factor V deficiency disease; LABILE FACTOR DEFICIENCY; OWREN PARAHEMOPHILIA; PARAHEMOPHILIA. Identifiers: Orphanet 326, MedGen C0015499, MONDO:0009210, OMIM 227400.
Thrombophilia due to activated protein C resistance (THPH2). Also called: APC resistance; THROMBOPHILIA DUE TO DEFICIENCY OF ACTIVATED PROTEIN C COFACTOR; THROMBOPHILIA V; PCCF DEFICIENCY; PROC COFACTOR DEFICIENCY; Activated protein C resistance. Identifiers: MedGen C1861171, MONDO:0008560, OMIM 188055. Disease mechanism: loss of function, gain of function.

Allele frequency attached by ClinVar (database versions not stated): gnomAD exomes 0.00001; gnomAD 0.00002; TOPMed 0.00004; ExAC 0.00006.
gnomAD v4.1: 23 of 1,613,106 alleles (0.0014%); highest among the groups gnomAD compares: East Asian, 0.049%; no homozygotes.

Submissions (2):

Labcorp Genetics (formerly Invitae), Labcorp
Classification: Pathogenic for Congenital factor V deficiency. Last evaluated: 2025-12-08. Review status: criteria provided, single submitter. Criteria: Invitae Variant Classification Sherloc (09022015). Collection method: clinical testing. Allele origin: germline.
Comment: This sequence change replaces aspartic acid, which is acidic and polar, with histidine, which is basic and polar, at codon 96 of the F5 protein (p.Asp96His). This variant is present in population databases (rs747215273, gnomAD 0.1%). This missense change has been observed in individual(s) with autosomal recessive factor V deficiency (PMID: 18788609, 20510101, 24787990, 26709270, 32000417, 32851759, 33979974). In at least one individual the data is consistent with being in trans (on the opposite chromosome) from a pathogenic variant. This variant is also known as p.Asp68His. ClinVar contains an entry for this variant (Variation ID: 2734026). Invitae Evidence Modeling of protein sequence and biophysical properties (such as structural, functional, and spatial information, amino acid conservation, physicochemical variation, residue mobility, and thermodynamic stability) indicates that this missense variant is expected to disrupt F5 protein function with a positive predictive value of 80%. Experimental studies have shown that this missense change affects F5 function (PMID: 24893683). For these reasons, this variant has been classified as Pathogenic.

Juno Genomics, Hangzhou Juno Genomics, Inc
Classification: Pathogenic for Congenital factor V deficiency; Thrombophilia due to activated protein C resistance. Review status: criteria provided, single submitter. Criteria: ACMG Guidelines, 2015. Collection method: clinical testing. Allele origin: germline.
Comment: Absent from controls (or at extremely low frequency if recessive) in Genome Aggregation Database.;Multiple lines of computational evidence support a deleterious effect on the gene or gene product.;For recessive disorders, detected in trans with a pathogenic variant.;Patient's phenotype or family history is highly specific for a disease with a single genetic etiology.

Literature cited by the submitters: PubMed 18788609 (cited by Labcorp Genetics (formerly Invitae), Labcorp); PubMed 20510101 (cited by Labcorp Genetics (formerly Invitae), Labcorp); PubMed 24787990 (cited by Labcorp Genetics (formerly Invitae), Labcorp); PubMed 26709270 (cited by Labcorp Genetics (formerly Invitae), Labcorp); PubMed 32000417 (cited by Labcorp Genetics (formerly Invitae), Labcorp); PubMed 32851759 (cited by Labcorp Genetics (formerly Invitae), Labcorp); PubMed 33979974 (cited by Labcorp Genetics (formerly Invitae), Labcorp); PubMed 24893683 (cited by Labcorp Genetics (formerly Invitae), Labcorp).